The following is an entry in ClinVar:

ClinVar aggregate classification (germline): Pathogenic (1 of 4 stars; one submission).

Conditions:
Mucopolysaccharidosis, MPS-II (MPS2). Also called: Hunter Syndrome; IDURONATE 2-SULFATASE DEFICIENCY; Mucopolysaccharidosis Type II; Mucopolysaccharidosis type 2; Attenuated MPS (subtype; formerly known as mild MPS II); Severe MPS II. Identifiers: Orphanet 580, Orphanet 79388, MedGen C0026705, MONDO:0010674, OMIM 309900.

Submission:

Laboratory of Diagnosis and Therapy of Lysosomal Disorders, University of Padova
Classification: Pathogenic for Mucopolysaccharidosis, MPS-II. Last evaluated: 2024-06-07. Review status: criteria provided, single submitter. Criteria: ACMG Guidelines, 2015. Collection method: literature only. Allele origin: germline. Affected: yes. Observed: 1 variant allele.
Comment: Null variant (PVS1_VeryStrong), Absent from controls (or at low frequency) in gnomAD database (PM2_Moderate), Patient’s phenotype or family history highly specific for the disease (PP4_Strong)

Classification method: ACMG Guidelines [PMID:25741868] with modifications

Literature cited by the submitters: PubMed 36713083.

NM_000202.8(IDS):c.41del (p.Gly14fs)

Genes: IDS (iduronate 2-sulfatase; minus strand), LOC130068781 (ATAC-STARR-seq lymphoblastoid active region 30015; plus strand). Cytogenetic location: Xq28.
Variant type: Deletion.
Coding change: c.41del on transcript NM_000202.8 (MANE Select); coding-DNA position 41, one base deleted (G; older notation c.41delG).
Protein change: p.Gly14fs; shifts the reading frame from glycine 14.
Molecular consequence: frameshift variant. On other transcripts: 5 prime UTR variant (1), non-coding transcript variant (1).
Genome position (GRCh38, 1-based): chrX:149,505,097, C deleted on the plus strand (G on the coding strand, the reverse complement: IDS is on the minus strand); the first of 3 consecutive C bases (chrX:149,505,097-149,505,099); deleting any one gives the same sequence. VCF-style (leftmost placement, unchanged base first): chrX-149505096-AC-A. GRCh37 (hg19) VCF-style: chrX-148586626-AC-A.
Other names: c.-186del (NM_001166550.4); c.41del, p.Gly14fs (NM_006123.5); short protein forms G14fs.
Identifiers: ClinVar variation 3255620 (VCV003255620.2).